The following is an entry in ClinVar:

ClinVar aggregate classification (germline): Benign. Review status: criteria provided, multiple submitters, no conflicts (2 of 4 stars). 7 submissions from 7 submitters: Benign (7). Last evaluated 2026-02-04.

Conditions:
Methylmalonic acidemia due to methylmalonyl-CoA epimerase deficiency. Also called: Methylmalonyl-CoA Epimerase Deficiency; METHYLMALONIC ACIDURIA III; METHYLMALONYL-CoA RACEMASE DEFICIENCY. Identifiers: Orphanet 308425, MedGen C1855100, MONDO:0009615, OMIM 251120.

Allele frequency attached by ClinVar (database versions not stated): 1000 Genomes Project 30x 0.17958; 1000 Genomes Project 0.18251; TOPMed 0.24704; gnomAD 0.26738 and 0.26769; ESP Exome Variant Server 0.27364; ExAC 0.30564; gnomAD exomes 0.30756 and 0.34440.
gnomAD v4.1: 543,131 of 1,613,590 alleles (34%); highest among the groups gnomAD compares: Middle Eastern, 38%; 97,733 homozygotes.

Submissions (7):

Labcorp Genetics (formerly Invitae), Labcorp
Classification: Benign for Methylmalonic acidemia due to methylmalonyl-CoA epimerase deficiency. Last evaluated: 2026-02-04. Review status: criteria provided, single submitter. Criteria: Invitae Variant Classification Sherloc (09022015). Collection method: clinical testing. Allele origin: germline.

Blueprint Genetics
Classification: Benign. Last evaluated: 2024-11-26. Review status: criteria provided, single submitter. Criteria: ACMG Guidelines, 2015. Collection method: clinical testing. Allele origin: germline.

Mayo Clinic Laboratories, Mayo Clinic
Classification: Benign. Last evaluated: 2022-03-31. Review status: criteria provided, single submitter. Criteria: ACMG Guidelines, 2015. Collection method: clinical testing. Allele origin: germline. Observed: 58 variant alleles.

Genome-Nilou Lab
Classification: Benign for Methylmalonic acidemia due to methylmalonyl-CoA epimerase deficiency. Last evaluated: 2021-09-05. Review status: criteria provided, single submitter. Criteria: ACMG Guidelines, 2015. Collection method: clinical testing. Allele origin: germline. Affected: no.

Illumina Laboratory Services, Illumina
Classification: Benign for Methylmalonic acidemia due to methylmalonyl-CoA epimerase deficiency. Last evaluated: 2018-01-13. Review status: criteria provided, single submitter. Criteria: ICSL Variant Classification Criteria 13 December 2019. Collection method: clinical testing. Allele origin: germline.
Comment: This variant was observed in the ICSL laboratory as part of a predisposition screen in an ostensibly healthy population. It had not been previously curated by ICSL or reported in the Human Gene Mutation Database (HGMD: prior to June 1st, 2018), and was therefore a candidate for classification through an automated scoring system. Utilizing variant allele frequency, disease prevalence and penetrance estimates, and inheritance mode, an automated score was calculated to assess if this variant is too frequent to cause the disease. Based on the score and internal cut-off values, a variant classified as benign is not then subjected to further curation. The score for this variant resulted in a classification of benign for this disease.

GeneDx
Classification: Benign. Last evaluated: 2013-05-29. Review status: criteria provided, single submitter. Criteria: GeneDx Variant Classification (06012015). Collection method: clinical testing. Allele origin: germline. Affected: yes.
Comment: This variant is considered likely benign or benign based on one or more of the following criteria: it is a conservative change, it occurs at a poorly conserved position in the protein, it is predicted to be benign by multiple in silico algorithms, and/or has population frequency not consistent with disease.

Breakthrough Genomics
Classification: Benign. Review status: criteria provided, single submitter. Criteria: ACMG Guidelines, 2015. Collection method: not provided. Allele origin: germline. Inheritance: Autosomal recessive inheritance. Affected: yes.

NM_032601.4(MCEE):c.227C>T (p.Ala76Val)

Gene: MCEE (methylmalonyl-CoA epimerase; minus strand). Cytogenetic location: 2p13.3.
Variant type: single nucleotide variant.
Coding change: c.227C>T on transcript NM_032601.4 (MANE Select); coding-DNA position 227, C replaced by T.
Protein change: p.Ala76Val; replaces alanine 76 with valine.
Molecular consequence: missense variant.
Genome position (GRCh38, 1-based): chr2:71,124,357, G>A on the plus strand (C>T on the coding strand, the complement: MCEE is on the minus strand). VCF-style: chr2-71124357-G-A. GRCh37 (hg19) VCF-style: chr2-71351487-G-A.
Other names: p.A76V:GCG>GTG; short protein forms A76V.
Identifiers: ClinVar variation 138182 (VCV000138182.18), dbSNP rs11541017, ClinGen allele CA292033.